The following is an entry in ClinVar:

ClinVar aggregate classification (germline): Uncertain significance (1 of 4 stars; one submission).

Allele frequency attached by ClinVar (database versions not stated): TOPMed 0.00001.
gnomAD v4.1: 13 of 1,599,518 alleles (0.00081%); highest among the groups gnomAD compares: Admixed American, 0.012%; no homozygotes.

Submission:

Labcorp Genetics (formerly Invitae), Labcorp
Classification: Uncertain significance. Last evaluated: 2025-10-01. Review status: criteria provided, single submitter. Criteria: Invitae Variant Classification Sherloc (09022015). Collection method: clinical testing. Allele origin: germline.
Comment: This sequence change replaces arginine, which is basic and polar, with histidine, which is basic and polar, at codon 155 of the RPSA protein (p.Arg155His). This variant is present in population databases (no rsID available, gnomAD 0.01%). This variant has not been reported in the literature in individuals affected with RPSA-related conditions. ClinVar contains an entry for this variant (Variation ID: 1902286). Invitae Evidence Modeling of protein sequence and biophysical properties (such as structural, functional, and spatial information, amino acid conservation, physicochemical variation, residue mobility, and thermodynamic stability) indicates that this missense variant is not expected to disrupt RPSA protein function with a negative predictive value of 80%. In summary, the available evidence is currently insufficient to determine the role of this variant in disease. Therefore, it has been classified as a Variant of Uncertain Significance.

NM_002295.6(RPSA):c.464G>A (p.Arg155His)

Gene: RPSA (ribosomal protein SA; plus strand). Cytogenetic location: 3p22.1.
Variant type: single nucleotide variant.
Coding change: c.464G>A on transcript NM_002295.6 (MANE Select); coding-DNA position 464, G replaced by A.
Protein change: p.Arg155His; replaces arginine 155 with histidine.
Molecular consequence: missense variant.
Genome position (GRCh38, 1-based): chr3:39,410,965, G>A. VCF-style: chr3-39410965-G-A. GRCh37 (hg19) VCF-style: chr3-39452456-G-A.
Other names: c.464G>A, p.Arg155His (NM_001012321.1); c.479G>A, p.Arg160His (NM_001304288.2); short protein forms R155H, R160H.
Identifiers: ClinVar variation 1902286 (VCV001902286.5), dbSNP rs1030008082, ClinGen allele CA73044950.
Genomic context (GRCh38, chr3:39,410,965, plus strand): 5'-CGGAGGCATCTTATGTTAACCTACCTACCATTGCGCTGTGTAACACAGATTCTCCTCTGC[G>A]CTATGTGGACATTGCCATCCCATGCAACAACAAGGTAATGATTTTAGGATCTAGAGTTTG-3'
Protein context (NP_002286.2, residues 145-165): IALCNTDSPL[Arg155His]YVDIAIPCNN